The following is an entry in ClinVar:

ClinVar aggregate classification (germline): Likely pathogenic (1 of 4 stars; one submission).

Submission:

GeneDx
Classification: Likely pathogenic. Last evaluated: 2017-09-21. Review status: criteria provided, single submitter. Criteria: GeneDx Variant Classification (06012015). Collection method: clinical testing. Allele origin: germline. Affected: yes.
Comment: The K33T variant in the SLC25A4 gene has not been reported previously as a pathogenic variant, nor as a benign variant, to our knowledge. The K33T variant is not observed in large population cohorts (Lek et al., 2016). The K33T variant is a semi-conservative amino acid substitution, which may impact secondary protein structure as these residues differ in some properties. This substitution occurs at a position that is conserved across species. In silico analysis predicts this variant is probably damaging to the protein structure/function. We interpret K33T as a likely pathogenic variant.

NM_001151.4(SLC25A4):c.98A>C (p.Lys33Thr)

Gene: SLC25A4 (solute carrier family 25 member 4; plus strand). Cytogenetic location: 4q35.1.
Variant type: single nucleotide variant.
Coding change: c.98A>C on transcript NM_001151.4 (MANE Select); coding-DNA position 98, A replaced by C.
Protein change: p.Lys33Thr; replaces lysine 33 with threonine.
Molecular consequence: missense variant.
Genome position (GRCh38, 1-based): chr4:185,143,470, A>C. VCF-style: chr4-185143470-A-C. GRCh37 (hg19) VCF-style: chr4-186064624-A-C.
Other names: short protein forms K33T.
Identifiers: ClinVar variation 452160 (VCV000452160.2), dbSNP rs1553967481, ClinGen allele CA358895855.